The following is an entry in ClinVar:

ClinVar aggregate classification (germline): Conflicting classifications of pathogenicity. Review status: criteria provided, conflicting classifications (1 of 4 stars). 5 submissions from 5 submitters: Pathogenic (1); Likely pathogenic (1); Uncertain significance (3). Last evaluated 2025-08-17.

Conditions:
Hemolytic anemia due to glutathione reductase deficiency (CNSHA10). Also called: ANEMIA, CONGENITAL, NONSPHEROCYTIC HEMOLYTIC, 10. Identifiers: Orphanet 90030, MedGen C5231513, MONDO:0019531, OMIM 618660.

Allele frequency attached by ClinVar (database versions not stated): TOPMed 0.00001; ExAC 0.00189.
gnomAD v4.1: 133 of 1,397,634 alleles (0.0095%); highest among the groups gnomAD compares: South Asian, 0.19%; 1 homozygote.

Submissions (5):

Labcorp Genetics (formerly Invitae), Labcorp
Classification: Pathogenic. Last evaluated: 2025-08-17. Review status: criteria provided, single submitter. Criteria: Invitae Variant Classification Sherloc (09022015). Collection method: clinical testing. Allele origin: germline.
Comment: This sequence change creates a premature translational stop signal (p.Glu32*) in the GSR gene. It is expected to result in an absent or disrupted protein product. Loss-of-function variants in GSR are known to be pathogenic (PMID: 17185460). This variant is present in population databases (rs770133920, gnomAD 0.2%). This variant has not been reported in the literature in individuals affected with GSR-related conditions. ClinVar contains an entry for this variant (Variation ID: 2658517). For these reasons, this variant has been classified as Pathogenic.

Genetics and Genomic Medicine Centre, NeuroGen Healthcare, NeuroGen Healthcare
Classification: Uncertain significance for Hemolytic anemia due to glutathione reductase deficiency. Last evaluated: 2023-09-24. Review status: criteria provided, single submitter. Criteria: ACMG Guidelines, 2015. Collection method: clinical testing. Allele origin: unknown. Affected: yes.

Neuberg Centre For Genomic Medicine, NCGM
Classification: Likely pathogenic for Hemolytic anemia due to glutathione reductase deficiency. Last evaluated: 2023-05-20. Review status: criteria provided, single submitter. Criteria: ACMG Guidelines, 2015. Collection method: clinical testing. Allele origin: germline. Inheritance: Autosomal recessive inheritance. Affected: yes.
Comment: The observed stop gained variant c.94G>T(p.Glu32Ter) in GSR gene has not been reported previously as a pathogenic variant nor as a benign variant, to our knowledge. The c.94G>T variant has 0.04% allele frequency in gnomAD Exomes. Computational evidence (Mutation Taster - Disease causing) predicts damaging effect on protein structure and function for this variant.This variant is predicted to cause loss of normal protein function through protein truncation. Loss of function variants have been previously reported to be disease causing (Kamerbeek NM, et al., 2007). For these reasons, this variant has been classified as Likely Pathogenic. In the absence of another reportable variant, the molecular diagnosis is not confirmed.

Revvity Omics, Revvity
Classification: Uncertain significance for Hemolytic anemia due to glutathione reductase deficiency. Last evaluated: 2023-03-30. Review status: criteria provided, single submitter. Criteria: ACMG Guidelines, 2015. Collection method: clinical testing. Allele origin: germline.

CeGaT Center for Human Genetics Tuebingen
Classification: Uncertain significance. Last evaluated: 2022-10-01. Review status: criteria provided, single submitter. Criteria: CeGaT Center For Human Genetics Tuebingen Variant Classification Criteria Version 2. Collection method: clinical testing. Allele origin: germline. Affected: yes. Observed: 1 variant allele.
Comment: GSR: PVS1:Strong

Literature cited by the submitters: PubMed 17185460 (cited by Labcorp Genetics (formerly Invitae), Labcorp).

NM_000637.5(GSR):c.94G>T (p.Glu32Ter)

Genes: GSR (glutathione-disulfide reductase; minus strand), LOC130000170 (ATAC-STARR-seq lymphoblastoid silent region 19083; plus strand). Cytogenetic location: 8p12.
Variant type: single nucleotide variant.
Coding change: c.94G>T on transcript NM_000637.5 (MANE Select); coding-DNA position 94, G replaced by T.
Protein change: p.Glu32Ter; replaces glutamic acid 32 with a stop codon.
Molecular consequence: nonsense.
Genome position (GRCh38, 1-based): chr8:30,727,742, C>A on the plus strand (G>T on the coding strand, the complement: GSR is on the minus strand). VCF-style: chr8-30727742-C-A. GRCh37 (hg19) VCF-style: chr8-30585259-C-A.
Other names: c.94G>T (NM_001195104.2); c.94G>T, p.Glu32Ter (NM_001195102.3, NM_001195103.3, NM_001195104.3); short protein forms E32*.
Identifiers: ClinVar variation 2658517 (VCV002658517.31), dbSNP rs770133920, ClinGen allele CA4701605.